The following is an entry in ClinVar:

ClinVar aggregate classification (germline): Uncertain significance (1 of 4 stars; one submission).

Submission:

Labcorp Genetics (formerly Invitae), Labcorp
Classification: Uncertain significance. Last evaluated: 2024-06-26. Review status: criteria provided, single submitter. Criteria: Invitae Variant Classification Sherloc (09022015). Collection method: clinical testing. Allele origin: germline.
Comment: This sequence change replaces serine, which is neutral and polar, with asparagine, which is neutral and polar, at codon 766 of the CLCN6 protein (p.Ser766Asn). This variant is not present in population databases (gnomAD no frequency). This variant has not been reported in the literature in individuals affected with CLCN6-related conditions. An algorithm developed to predict the effect of missense changes on protein structure and function (PolyPhen-2) suggests that this variant is likely to be disruptive. In summary, the available evidence is currently insufficient to determine the role of this variant in disease. Therefore, it has been classified as a Variant of Uncertain Significance.

NM_001286.5(CLCN6):c.2297G>A (p.Ser766Asn)

Gene: CLCN6 (chloride voltage-gated channel 6; plus strand). Cytogenetic location: 1p36.22.
Variant type: single nucleotide variant.
Coding change: c.2297G>A on transcript NM_001286.5 (MANE Select); coding-DNA position 2297, G replaced by A.
Protein change: p.Ser766Asn; replaces serine 766 with asparagine.
Molecular consequence: missense variant. On other transcripts: non-coding transcript variant (1).
Genome position (GRCh38, 1-based): chr1:11,838,336, G>A. VCF-style: chr1-11838336-G-A. GRCh37 (hg19) VCF-style: chr1-11898393-G-A.
Other names: c.2231G>A, p.Ser744Asn (NM_001256959.2); short protein forms S766N, S744N.
Identifiers: ClinVar variation 3676847 (VCV003676847.2).